The following is an entry in ClinVar:

NM_003626.5(PPFIA1):c.2334T>C (p.Asp778=)

Gene: PPFIA1 (PPFI scaffold protein A1; plus strand). Cytogenetic location: 11q13.3.
Variant type: single nucleotide variant.
Coding change: c.2334T>C on transcript NM_003626.5 (MANE Select); coding-DNA position 2334, T replaced by C.
Protein change: p.Asp778=; no amino-acid change (aspartic acid 778 retained).
Molecular consequence: synonymous variant. On other transcripts: non-coding transcript variant (1).
Genome position (GRCh38, 1-based): chr11:70,355,657, T>C. VCF-style: chr11-70355657-T-C. GRCh37 (hg19) VCF-style: chr11-70201763-T-C.
Other names: c.2439T>C, p.Asp813= (NM_001378006.1); c.2334T>C, p.Asp778= (NM_177423.3).
Identifiers: ClinVar variation 2642057 (VCV002642057.24), dbSNP rs1183613976, ClinGen allele CA475243446.

ClinVar aggregate classification (germline): Likely benign (1 of 4 stars; one submission).

Allele frequency attached by ClinVar (database versions not stated): TOPMed below 0.00001; gnomAD exomes 0.00001.

Submission:

CeGaT Center for Human Genetics Tuebingen
Classification: Likely benign. Last evaluated: 2026-08-01. Review status: criteria provided, single submitter. Criteria: CeGaT Center For Human Genetics Tuebingen Variant Classification Criteria Version 2. Collection method: clinical testing. Allele origin: germline. Affected: yes. Observed: 7 variant alleles.
Comment: PPFIA1: BP4, BP7